The following is an entry in ClinVar:

NM_024334.3(TMEM43):c.47A>G (p.Lys16Arg)

Gene: TMEM43 (transmembrane protein 43; plus strand). Cytogenetic location: 3p25.1.
Variant type: single nucleotide variant.
Coding change: c.47A>G on transcript NM_024334.3 (MANE Select); coding-DNA position 47, A replaced by G.
Protein change: p.Lys16Arg; replaces lysine 16 with arginine.
Molecular consequence: missense variant.
Genome position (GRCh38, 1-based): chr3:14,129,446, A>G. VCF-style: chr3-14129446-A-G. GRCh37 (hg19) VCF-style: chr3-14170946-A-G.
Other names: short protein forms K16R.
Identifiers: ClinVar variation 926230 (VCV000926230.11), dbSNP rs770619613, ClinGen allele CA053903.

ClinVar aggregate classification (germline): Conflicting classifications of pathogenicity. Review status: criteria provided, conflicting classifications (1 of 4 stars). 4 submissions from 4 submitters: Uncertain significance (3); Likely benign (1). Last evaluated 2025-06-02.

Conditions:
Arrhythmogenic right ventricular dysplasia 5. Also called: Arrhythmogenic Right Ventricular Dysplasia/Cardiomyopathy 5; ARRHYTHMOGENIC RIGHT VENTRICULAR DYSPLASIA, FAMILIAL, 5. Identifiers: MedGen C1858379, MONDO:0011459, OMIM 604400.
Cardiovascular phenotype. Identifiers: MedGen CN230736.
Cardiomyopathy (CMYO). Also called: Cardiomyopathies. Identifiers: Orphanet 167848, MedGen C0878544, MONDO:0004994, HP:0001638. Inheritance: Various modes of inheritance.

Allele frequency attached by ClinVar (database versions not stated): gnomAD exomes below 0.00001; ExAC 0.00001.
gnomAD v4.1: 21 of 1,614,068 alleles (0.0013%); highest among the groups gnomAD compares: Non-Finnish European, 0.0017%; no homozygotes.

Submissions (4):

Ambry Genetics
Classification: Uncertain significance for Cardiovascular phenotype. Last evaluated: 2025-06-02. Review status: criteria provided, single submitter. Criteria: Ambry Variant Classification Scheme 2023. Collection method: clinical testing. Allele origin: germline.
Comment: The p.K16R variant (also known as c.47A>G), located in coding exon 2 of the TMEM43 gene, results from an A to G substitution at nucleotide position 47. The lysine at codon 16 is replaced by arginine, an amino acid with highly similar properties. This amino acid position is conserved. In addition, this alteration is predicted to be tolerated by in silico analysis. Based on the available evidence, the clinical significance of this variant remains unclear.

Labcorp Genetics (formerly Invitae), Labcorp
Classification: Uncertain significance for Arrhythmogenic right ventricular dysplasia 5. Last evaluated: 2025-05-26. Review status: criteria provided, single submitter. Criteria: Invitae Variant Classification Sherloc (09022015). Collection method: clinical testing. Allele origin: germline.
Comment: This sequence change replaces lysine, which is basic and polar, with arginine, which is basic and polar, at codon 16 of the TMEM43 protein (p.Lys16Arg). This variant is present in population databases (rs770619613, gnomAD 0.0009%). This variant has not been reported in the literature in individuals affected with TMEM43-related conditions. ClinVar contains an entry for this variant (Variation ID: 926230). An algorithm developed to predict the effect of missense changes on protein structure and function outputs the following: PolyPhen-2: "Benign". The arginine amino acid residue is found in multiple mammalian species, which suggests that this missense change does not adversely affect protein function. In summary, the available evidence is currently insufficient to determine the role of this variant in disease. Therefore, it has been classified as a Variant of Uncertain Significance.

Color Diagnostics, LLC DBA Color Health
Classification: Likely benign for Cardiomyopathy. Last evaluated: 2024-09-06. Review status: criteria provided, single submitter. Criteria: ACMG Guidelines, 2015. Collection method: clinical testing. Allele origin: germline.

Victorian Clinical Genetics Services, Murdoch Childrens Research Institute
Classification: Uncertain significance for Arrhythmogenic right ventricular dysplasia 5. Last evaluated: 2022-02-02. Review status: criteria provided, single submitter. Criteria: ACMG Guidelines, 2015. Collection method: clinical testing. Allele origin: germline. Inheritance: Autosomal dominant inheritance. Affected: yes.
Comment: Based on the classification scheme VCGS_Germline_v1.3.4, this variant is classified as VUS-3C. Following criteria are met: 0105 - The mechanism of disease for this gene is not clearly established, loss-of-function is a suspected mechanism (PMID: 25343256). (I) 0107 - This gene is associated with autosomal dominant disease. (I) 0200 - Variant is predicted to result in a missense amino acid change from lysine to arginine. (I) 0251 - This variant is heterozygous. (I) 0302 - Variant is present in gnomAD (v2) <0.001 for a dominant condition (1 heterozygote, 0 homozygotes). (SP) 0309 - An alternative amino acid change at the same position has been observed in gnomAD (v2) (1 heterozygote, 0 homozygotes). (I) 0503 - Missense variant consistently predicted to be tolerated by multiple in silico tools or not conserved in placental mammals with a minor amino acid change. (SB) 0604 - Variant is not located in an established domain, motif, hotspot or informative constraint region. (I) 0705 - No comparable missense variants have previous evidence for pathogenicity. (I) 0806 - This variant has moderate previous evidence of being benign in unrelated individuals. This variant has been reported once as likely benign in association with cardiomyopathy (ClinVar). (SB) 0905 - No published segregation evidence has been identified for this variant. (I) 1007 - No published functional evidence has been identified for this variant. (I) 1208 - Inheritance information for this variant is not currently available in this individual. (I) Legend: (SP) - Supporting pathogenic, (I) - Information, (SB) - Supporting benign

Literature cited by the submitters: PubMed 25343256 (cited by Victorian Clinical Genetics Services, Murdoch Childrens Research Institute).